The following is an entry in ClinVar:

NM_052845.4(MMAB):c.394T>C (p.Cys132Arg)

Gene: MMAB (metabolism of cobalamin associated B; minus strand). Cytogenetic location: 12q24.11.
Variant type: single nucleotide variant.
Coding change: c.394T>C on transcript NM_052845.4 (MANE Select); coding-DNA position 394, T replaced by C.
Protein change: p.Cys132Arg; replaces cysteine 132 with arginine.
Molecular consequence: missense variant. On other transcripts: non-coding transcript variant (1).
Genome position (GRCh38, 1-based): chr12:109,561,807, A>G on the plus strand (T>C on the coding strand, the complement: MMAB is on the minus strand). VCF-style: chr12-109561807-A-G. GRCh37 (hg19) VCF-style: chr12-109999612-A-G.
Other names: short protein forms C132R.
Identifiers: ClinVar variation 378149 (VCV000378149.21), dbSNP rs147457956, ClinGen allele CA6778924.

ClinVar aggregate classification (germline): Conflicting classifications of pathogenicity. Review status: criteria provided, conflicting classifications (1 of 4 stars). 8 submissions from 8 submitters: Uncertain significance (4); Benign (1); Likely benign (2). 1 of the submissions does not count toward it. Last evaluated 2024-12-31.

Conditions:
Inborn genetic diseases. Identifiers: MedGen C0950123, MeSH D030342.
Methylmalonic aciduria, cblB type (MACB). Also called: Methylmalonic acidemia cblB type; Vitamin B12-responsive methylmalonic acidemia type cblB; METHYLMALONIC ACIDURIA, VITAMIN B12-RESPONSIVE, DUE TO DEFECT IN SYNTHESIS OF ADENOSYLCOBALAMIN, cblB TYPE. Identifiers: Orphanet 28, Orphanet 79311, MedGen C1855102, MONDO:0009614, OMIM 251110.

Allele frequency attached by ClinVar (database versions not stated): 1000 Genomes Project 0.00020; gnomAD exomes 0.00068; gnomAD 0.00081 and 0.00085; ESP Exome Variant Server 0.00085; TOPMed 0.00090; ExAC 0.00098; 1000 Genomes Project 30x 0.00016.

Submissions (8):

Labcorp Genetics (formerly Invitae), Labcorp
Classification: Uncertain significance for Methylmalonic aciduria, cblB type. Last evaluated: 2024-12-31. Review status: criteria provided, single submitter. Criteria: Invitae Variant Classification Sherloc (09022015). Collection method: clinical testing. Allele origin: germline.
Comment: This sequence change replaces cysteine, which is neutral and slightly polar, with arginine, which is basic and polar, at codon 132 of the MMAB protein (p.Cys132Arg). This variant is present in population databases (rs147457956, gnomAD 0.1%), including at least one homozygous and/or hemizygous individual. This missense change has been observed in individual(s) with methylmalonic aciduria (PMID: 23707710). ClinVar contains an entry for this variant (Variation ID: 378149). Invitae Evidence Modeling of protein sequence and biophysical properties (such as structural, functional, and spatial information, amino acid conservation, physicochemical variation, residue mobility, and thermodynamic stability) indicates that this missense variant is not expected to disrupt MMAB protein function with a negative predictive value of 80%. In summary, the available evidence is currently insufficient to determine the role of this variant in disease. Therefore, it has been classified as a Variant of Uncertain Significance.

Blueprint Genetics
Classification: Likely benign. Last evaluated: 2024-11-26. Review status: criteria provided, single submitter. Criteria: ACMG Guidelines, 2015. Collection method: clinical testing. Allele origin: germline.

Ambry Genetics
Classification: Benign for Inborn genetic diseases. Last evaluated: 2022-05-03. Review status: criteria provided, single submitter. Criteria: Ambry Variant Classification Scheme 2023. Collection method: clinical testing. Allele origin: germline.

Department of Pathology and Laboratory Medicine, Sinai Health System
Classification: Uncertain significance for Methylmalonic aciduria, cblB type. Last evaluated: 2021-07-30. Review status: criteria provided, single submitter. Criteria: ACMG Guidelines, 2015. Collection method: research. Allele origin: germline.

GeneDx
Classification: Likely benign. Last evaluated: 2020-09-23. Review status: criteria provided, single submitter. Criteria: GeneDx Variant Classification Process June 2021. Collection method: clinical testing. Allele origin: germline. Affected: yes.
Comment: This variant is associated with the following publications: (PMID: 23707710, 28468868)

ARUP Laboratories, Molecular Genetics and Genomics, ARUP Laboratories
Classification: Uncertain significance for Methylmalonic aciduria, cblB type. Last evaluated: 2019-02-28. Review status: criteria provided, single submitter. Criteria: ARUP Molecular Germline Variant Investigation Process. Collection method: clinical testing. Allele origin: germline.
Comment: The MMAB c.394T>C; p.Cys132Arg variant (rs147457956) has been reported in the heterozygous state in one individual with methylmalonic aciduria out of a cohort of 181 patients (Illson 2013). This variant is listed in the genome Aggregation Database (gnomAD) with a non-Finnish European population frequency of 0.1% (identified on 145 out of 122,430 chromosomes, including one homozygote) and is classified as likely benign in ClinVar (ID: 378149). The cysteine at position 132 is weakly conserved, considering 12 species, and computational analyses of the effects of the p.Cys132Arg variant on protein structure and function do not predict a deleterious effect (SIFT: tolerated, PolyPhen-2: benign). Based on the available information, the clinical significance of the p.Cys132Arg variant cannot be determined with certainty.

Illumina Laboratory Services, Illumina
Classification: Uncertain significance for Methylmalonic aciduria, cblB type. Last evaluated: 2017-04-28. Review status: criteria provided, single submitter. Criteria: ICSL Variant Classification Criteria 13 December 2019. Collection method: clinical testing. Allele origin: germline.
Comment: This variant was observed as part of a predisposition screen in an ostensibly healthy population. A literature search was performed for the gene, cDNA change, and amino acid change (where applicable). Publications were found based on this search. However, the evidence from the literature, in combination with allele frequency data from public databases where available, was not sufficient to rule this variant in or out of causing disease. Therefore, this variant is classified as a variant of unknown significance.

Natera, Inc.
Classification: Uncertain significance for Methylmalonic aciduria cblB type. Last evaluated: 2020-04-10. Review status: no assertion criteria provided. Collection method: clinical testing. Allele origin: germline. Not counted in ClinVar's aggregate classification.

Literature cited by the submitters: PubMed 23707710 (cited by 3 submitters); PubMed 28468868 (cited by Ambry Genetics).